The following is an entry in ClinVar:

NM_001270508.2(TNFAIP3):c.282G>A (p.Ala94=)

Gene: TNFAIP3 (TNF alpha induced protein 3; plus strand). Cytogenetic location: 6q23.3.
Variant type: single nucleotide variant.
Coding change: c.282G>A on transcript NM_001270508.2 (MANE Select); coding-DNA position 282, G replaced by A.
Protein change: p.Ala94=; no amino-acid change (alanine 94 retained).
Molecular consequence: synonymous variant.
Genome position (GRCh38, 1-based): chr6:137,871,509, G>A. VCF-style: chr6-137871509-G-A. GRCh37 (hg19) VCF-style: chr6-138192646-G-A.
Other names: c.282G>A (NM_006290.3); c.282G>A, p.Ala94= (NM_001270507.2, NM_006290.4).
Identifiers: ClinVar variation 1643095 (VCV001643095.34), dbSNP rs142122102, ClinGen allele CA4019375.

ClinVar aggregate classification (germline): Benign/Likely benign. Review status: criteria provided, multiple submitters, no conflicts (2 of 4 stars). 4 submissions from 4 submitters: Benign (1); Likely benign (3). Last evaluated 2026-09-21.

Conditions:
TNFAIP3-related disorder. Also called: TNFAIP3-related condition.

Allele frequency attached by ClinVar (database versions not stated): ESP Exome Variant Server 0.00015; 1000 Genomes Project 0.00020; gnomAD exomes 0.00022 and 0.00045; ExAC 0.00025; 1000 Genomes Project 30x 0.00031; gnomAD 0.00052; TOPMed 0.00056.
gnomAD v4.1: 410 of 1,613,928 alleles (0.025%); highest among the groups gnomAD compares: Admixed American, 0.21%; 1 homozygote.

Submissions (4):

PreventionGenetics, part of Exact Sciences
Classification: Likely benign for TNFAIP3-related condition. Last evaluated: 2026-09-21. Review status: criteria provided, single submitter. Criteria: ACMG Guidelines, 2015. Collection method: clinical testing. Allele origin: germline.
Comment: This variant is classified as likely benign based on ACMG/AMP sequence variant interpretation guidelines (Richards et al. 2015 PMID: 25741868, with internal and published modifications).

Labcorp Genetics (formerly Invitae), Labcorp
Classification: Benign. Last evaluated: 2026-01-06. Review status: criteria provided, single submitter. Criteria: Invitae Variant Classification Sherloc (09022015). Collection method: clinical testing. Allele origin: germline.

CeGaT Center for Human Genetics Tuebingen
Classification: Likely benign. Last evaluated: 2025-01-01. Review status: criteria provided, single submitter. Criteria: CeGaT Center For Human Genetics Tuebingen Variant Classification Criteria Version 2. Collection method: clinical testing. Allele origin: germline. Affected: yes. Observed: 1 variant allele.
Comment: TNFAIP3: BP4, BP7

Blueprint Genetics
Classification: Likely benign. Last evaluated: 2023-09-15. Review status: criteria provided, single submitter. Criteria: ACMG Guidelines, 2015. Collection method: clinical testing. Allele origin: germline.